The following is an entry in ClinVar:

NM_001401501.2(MUC16):c.5977T>C (p.Ser1993Pro)

Gene: MUC16 (mucin 16, cell surface associated; minus strand). Cytogenetic location: 19p13.2.
Variant type: single nucleotide variant.
Coding change: c.5977T>C on transcript NM_001401501.2 (MANE Select); coding-DNA position 5977, T replaced by C.
Protein change: p.Ser1993Pro; replaces serine 1993 with proline.
Molecular consequence: missense variant.
Genome position (GRCh38, 1-based): chr19:8,975,282, A>G on the plus strand (T>C on the coding strand, the complement: MUC16 is on the minus strand). VCF-style: chr19-8975282-A-G. GRCh37 (hg19) VCF-style: chr19-9085958-A-G.
Other names: c.6403T>C, p.Ser2135Pro (NM_001414686.1); c.5857T>C, p.Ser1953Pro (NM_001414687.1, NM_024690.2); short protein forms S1953P, S1993P, S2135P.
Identifiers: ClinVar variation 3056523 (VCV003056523.2), dbSNP rs1108380, ClinGen allele CA9172542.

ClinVar aggregate classification (germline): Benign (0 of 4 stars; one submission).

Conditions:
MUC16-related disorder. Also called: MUC16-related condition.

Allele frequency attached by ClinVar (database versions not stated): gnomAD exomes 0.10409; ESP Exome Variant Server 0.10811; TOPMed 0.11445; gnomAD 0.12217; ExAC 0.12234; 1000 Genomes Project 30x 0.14225; 1000 Genomes Project 0.14637.

Submission:

PreventionGenetics, part of Exact Sciences
Classification: Benign for MUC16-related condition. Last evaluated: 2019-11-07. Review status: no assertion criteria provided. Collection method: clinical testing. Allele origin: germline.
Comment: This variant is classified as benign based on ACMG/AMP sequence variant interpretation guidelines (Richards et al. 2015 PMID: 25741868, with internal and published modifications).